The following is an entry in ClinVar:

NM_014324.6(AMACR):c.124G>A (p.Asp42Asn)

Genes: C1QTNF3-AMACR (C1QTNF3-AMACR readthrough (NMD candidate); minus strand), AMACR (alpha-methylacyl-CoA racemase; minus strand). Cytogenetic location: 5p13.2.
Variant type: single nucleotide variant.
Coding change: c.124G>A on transcript NM_014324.6 (MANE Select); coding-DNA position 124, G replaced by A.
Protein change: p.Asp42Asn; replaces aspartic acid 42 with asparagine.
Molecular consequence: missense variant.
Genome position (GRCh38, 1-based): chr5:34,007,896, C>T on the plus strand (G>A on the coding strand, the complement: AMACR is on the minus strand). VCF-style: chr5-34007896-C-T. GRCh37 (hg19) VCF-style: chr5-34008001-C-T.
Other names: c.124G>A, p.Asp42Asn (NM_001167595.2, NM_203382.3); short protein forms D42N.
Identifiers: ClinVar variation 2110353 (VCV002110353.4), dbSNP rs894771693, ClinGen allele CA116872823.

ClinVar aggregate classification (germline): Uncertain significance (1 of 4 stars; one submission).

Conditions:
Alpha-methylacyl-CoA racemase deficiency (AMACRD). Also called: AMACR deficiency. Identifiers: Orphanet 79095, MedGen C3280428, MONDO:0013681, OMIM 614307. Disease mechanism: loss of function.

Submission:

Labcorp Genetics (formerly Invitae), Labcorp
Classification: Uncertain significance for Alpha-methylacyl-CoA racemase deficiency. Last evaluated: 2022-03-12. Review status: criteria provided, single submitter. Criteria: Invitae Variant Classification Sherloc (09022015). Collection method: clinical testing. Allele origin: germline.
Comment: This variant has not been reported in the literature in individuals affected with AMACR-related conditions. In summary, the available evidence is currently insufficient to determine the role of this variant in disease. Therefore, it has been classified as a Variant of Uncertain Significance. Algorithms developed to predict the effect of missense changes on protein structure and function output the following: SIFT: "Tolerated"; PolyPhen-2: "Benign"; Align-GVGD: "Class C0". The asparagine amino acid residue is found in multiple mammalian species, which suggests that this missense change does not adversely affect protein function. This variant is not present in population databases (gnomAD no frequency). This sequence change replaces aspartic acid, which is acidic and polar, with asparagine, which is neutral and polar, at codon 42 of the AMACR protein (p.Asp42Asn).